The following is an entry in ClinVar:

NM_000069.3(CACNA1S):c.5370+6C>A

Gene: CACNA1S (calcium voltage-gated channel subunit alpha1 S; minus strand). Cytogenetic location: 1q32.1.
Variant type: single nucleotide variant.
Coding change: c.5370+6C>A on transcript NM_000069.3 (MANE Select); 6 bases into the intron after coding-DNA position 5370, C replaced by A.
Molecular consequence: intron variant.
Genome position (GRCh38, 1-based): chr1:201,040,225, G>T on the plus strand (C>A on the coding strand, the complement: CACNA1S is on the minus strand). VCF-style: chr1-201040225-G-T. GRCh37 (hg19) VCF-style: chr1-201009353-G-T.
Identifiers: ClinVar variation 1058107 (VCV001058107.9), dbSNP rs769074038, ClinGen allele CA083825.

ClinVar aggregate classification (germline): Uncertain significance. Review status: criteria provided, multiple submitters, no conflicts (2 of 4 stars). 2 submissions from 2 submitters: Uncertain significance (2). Last evaluated 2025-07-07.

Conditions:
Hypokalemic periodic paralysis, type 1. Also called: Hypokalemic Periodic Paralysis Type 1 (AD); HypoPP. Identifiers: Orphanet 681, MedGen C3714580, MONDO:0042979, OMIM 170400.
Malignant hyperthermia, susceptibility to, 5 (MHS5). Also called: CACNA1S-Related Malignant Hyperthermia Susceptibility. Identifiers: Orphanet 423, MedGen C1866077, MONDO:0011163, OMIM 601887.

Allele frequency attached by ClinVar (database versions not stated): ExAC 0.00001; gnomAD 0.00001; TOPMed 0.00002.
gnomAD v4.1: 5 of 1,613,058 alleles (0.00031%); highest among the groups gnomAD compares: Admixed American, 0.005%; no homozygotes.

Submissions (2):

Color Diagnostics, LLC DBA Color Health
Classification: Uncertain significance for Malignant hyperthermia, susceptibility to, 5. Last evaluated: 2025-07-07. Review status: criteria provided, single submitter. Criteria: ACMG Guidelines, 2015. Collection method: clinical testing. Allele origin: germline.
Comment: This variant causes a C to A nucleotide substitution at the +6 position of intron 43 of the CACNA1S gene. To our knowledge, functional studies have not been reported for this variant. This variant has not been reported in individuals affected with CACNA1S-related disorders in the literature. This variant has been identified in 1/250494 chromosomes in the general population by the Genome Aggregation Database (gnomAD). The available evidence is insufficient to determine the role of this variant in disease conclusively. Therefore, this variant is classified as a Variant of Uncertain Significance.

Labcorp Genetics (formerly Invitae), Labcorp
Classification: Uncertain significance for Hypokalemic periodic paralysis, type 1; Malignant hyperthermia, susceptibility to, 5. Last evaluated: 2024-12-03. Review status: criteria provided, single submitter. Criteria: Invitae Variant Classification Sherloc (09022015). Collection method: clinical testing. Allele origin: germline.
Comment: This sequence change falls in intron 43 of the CACNA1S gene. It does not directly change the encoded amino acid sequence of the CACNA1S protein. It affects a nucleotide within the consensus splice site. The frequency data for this variant in the population databases is considered unreliable, as metrics indicate poor data quality at this position in the gnomAD database. This variant has not been reported in the literature in individuals affected with CACNA1S-related conditions. ClinVar contains an entry for this variant (Variation ID: 1058107). Variants that disrupt the consensus splice site are a relatively common cause of aberrant splicing (PMID: 17576681, 9536098). Algorithms developed to predict the effect of sequence changes on RNA splicing suggest that this variant is not likely to affect RNA splicing. In summary, the available evidence is currently insufficient to determine the role of this variant in disease. Therefore, it has been classified as a Variant of Uncertain Significance.

Literature cited by the submitters: PubMed 17576681 (cited by Labcorp Genetics (formerly Invitae), Labcorp); PubMed 9536098 (cited by Labcorp Genetics (formerly Invitae), Labcorp).